The following is an entry in ClinVar:

ClinVar aggregate classification (germline): Uncertain significance. Review status: criteria provided, multiple submitters, no conflicts (2 of 4 stars). 2 submissions from 2 submitters: Uncertain significance (2). Last evaluated 2026-03-18.

Conditions:
Hereditary cancer-predisposing syndrome. Also called: Hereditary Cancer Syndrome; Hereditary neoplastic syndrome; Neoplastic Syndromes, Hereditary; Tumor predisposition. Identifiers: Orphanet 140162, MedGen C0027672, MeSH D009386, MONDO:0015356.

gnomAD v4.1: 3 of 1,614,112 alleles (0.00019%); highest among the groups gnomAD compares: Non-Finnish European, 0.00025%; no homozygotes.

Submissions (2):

Ambry Genetics
Classification: Uncertain significance for Hereditary cancer-predisposing syndrome. Last evaluated: 2026-03-18. Review status: criteria provided, single submitter. Criteria: Ambry Variant Classification Scheme 2023. Collection method: clinical testing. Allele origin: germline.
Comment: The p.G2240E variant (also known as c.6719G>A), located in coding exon 48 of the POLE gene, results from a G to A substitution at nucleotide position 6719. The glycine at codon 2240 is replaced by glutamic acid, an amino acid with similar properties. This amino acid position is conserved. In addition, the in silico prediction for this alteration is inconclusive. Based on the available evidence, the clinical significance of this variant remains unclear.

GeneDx
Classification: Uncertain significance. Last evaluated: 2024-09-11. Review status: criteria provided, single submitter. Criteria: GeneDx Variant Classification Process June 2021. Collection method: clinical testing. Allele origin: germline. Affected: yes.
Comment: Not observed at significant frequency in large population cohorts (gnomAD); In silico analysis supports that this missense variant has a deleterious effect on protein structure/function; Has not been previously published as pathogenic or benign to our knowledge; This variant is associated with the following publications: (PMID: 19296856)

NM_006231.4(POLE):c.6719G>A (p.Gly2240Glu)

Gene: POLE (DNA polymerase epsilon, catalytic subunit; minus strand). Cytogenetic location: 12q24.33.
Variant type: single nucleotide variant.
Coding change: c.6719G>A on transcript NM_006231.4 (MANE Select); coding-DNA position 6719, G replaced by A.
Protein change: p.Gly2240Glu; replaces glycine 2240 with glutamic acid.
Molecular consequence: missense variant.
Genome position (GRCh38, 1-based): chr12:132,624,933, C>T on the plus strand (G>A on the coding strand, the complement: POLE is on the minus strand). VCF-style: chr12-132624933-C-T. GRCh37 (hg19) VCF-style: chr12-133201519-C-T.
Other names: short protein forms G2240E.
Identifiers: ClinVar variation 3770124 (VCV003770124.2).